The following is an entry in ClinVar:

NC_000016.9:g.(?_10273845)_(10274268_?)del

Gene: GRIN2A (glutamate ionotropic receptor NMDA type subunit 2A; minus strand). Cytogenetic location: 16p13.2.
Variant type: Deletion.
Identifiers: ClinVar variation 1071859 (VCV001071859.1).

ClinVar aggregate classification (germline): Pathogenic (1 of 4 stars; one submission).

Conditions:
Landau-Kleffner syndrome (FESD). Also called: EPILEPSY, FOCAL, WITH SPEECH DISORDER AND WITH OR WITHOUT MENTAL RETARDATION; APHASIA, ACQUIRED, WITH EPILEPSY. Identifiers: Orphanet 1945, Orphanet 725, Orphanet 98818, MedGen C0282512, MONDO:0009509, OMIM 245570.

Submission:

Labcorp Genetics (formerly Invitae), Labcorp
Classification: Pathogenic for Landau-Kleffner syndrome. Last evaluated: 2020-09-30. Review status: criteria provided, single submitter. Criteria: Invitae Variant Classification Sherloc (09022015). Collection method: clinical testing. Allele origin: germline.
Comment: This variant is a gross deletion of the genomic region encompassing exon 3 of the GRIN2A gene, which includes the initiator codon. The 5' end of this event is unknown as it extends beyond the assayed region for this gene and therefore may encompass additional genes. The 3' boundary is likely confined to intron 3 of the GRIN2A gene. This is expected to result in an absent or disrupted protein product. This variant has not been reported in the literature in individuals with GRIN2A-related conditions. Loss-of-function variants in GRIN2A are known to be pathogenic (PMID: 23933819, 23933820). For these reasons, this variant has been classified as Pathogenic.

Literature cited by the submitters: PubMed 23933819; PubMed 23933820.